The following is an entry in ClinVar:

ClinVar aggregate classification (germline): Pathogenic. Review status: reviewed by expert panel (3 of 4 stars). 6 submissions from 6 submitters: Pathogenic (1). 5 of the submissions do not count toward it. Last evaluated 2016-09-08.

Conditions:
BRCA1-related disorder. Also called: BRCA1-related condition.
Hereditary cancer-predisposing syndrome. Also called: Tumor predisposition; Neoplastic Syndromes, Hereditary; Hereditary Cancer Syndrome; Hereditary neoplastic syndrome. Identifiers: Orphanet 140162, MedGen C0027672, MeSH D009386, MONDO:0015356.
Hereditary breast ovarian cancer syndrome. Also called: Hereditary breast and ovarian cancer syndrome (HBOC); Hereditary breast and ovarian cancer syndrome; Hereditary breast and ovarian cancer; Hereditary breast and/or ovarian cancer syndrome; Breast and ovarian cancer; BRCA1- and BRCA2-Associated Hereditary Breast and Ovarian Cancer. Identifiers: Orphanet 145, MedGen C0677776, MeSH D061325, MONDO:0003582. Disease mechanism: loss of function.
Breast-ovarian cancer, familial, susceptibility to, 1 (BROVCA1). Also called: OVARIAN CANCER, SUSCEPTIBILITY TO; BRCA1 Hereditary Breast and Ovarian Cancer. Identifiers: Orphanet 145, MedGen C2676676, MONDO:0011450, OMIM 604370. Disease mechanism: loss of function.

Submissions (6):

Evidence-based Network for the Interpretation of Germline Mutant Alleles (ENIGMA)
Classification: Pathogenic for Breast-ovarian cancer, familial, susceptibility to, 1. Last evaluated: 2016-09-08. Review status: reviewed by expert panel. Criteria: ENIGMA BRCA1/2 Classification Criteria (2015). Collection method: curation. Allele origin: germline.
Comment: Variant allele predicted to encode a truncated non-functional protein.

Ambry Genetics
Classification: Pathogenic for Hereditary cancer-predisposing syndrome. Last evaluated: 2025-08-18. Review status: criteria provided, single submitter. Criteria: Ambry Variant Classification Scheme 2023. Collection method: clinical testing. Allele origin: germline. Not counted in ClinVar's aggregate classification.
Comment: The c.2206delG pathogenic mutation, located in coding exon 9 of the BRCA1 gene, results from a deletion of one nucleotide at nucleotide position 2206, causing a translational frameshift with a predicted alternate stop codon (p.E736Kfs*17). This variant is considered to be rare based on population cohorts in the Genome Aggregation Database (gnomAD). This alteration is expected to result in loss of function by premature protein truncation or nonsense-mediated mRNA decay. As such, this alteration is interpreted as a disease-causing mutation.

Labcorp Genetics (formerly Invitae), Labcorp
Classification: Pathogenic for Hereditary breast ovarian cancer syndrome. Last evaluated: 2023-10-04. Review status: criteria provided, single submitter. Criteria: Invitae Variant Classification Sherloc (09022015). Collection method: clinical testing. Allele origin: germline. Not counted in ClinVar's aggregate classification.
Comment: This sequence change creates a premature translational stop signal (p.Glu736Lysfs*17) in the BRCA1 gene. It is expected to result in an absent or disrupted protein product. Loss-of-function variants in BRCA1 are known to be pathogenic (PMID: 20104584). This variant is not present in population databases (gnomAD no frequency). This premature translational stop signal has been observed in individual(s) with personal and/or family history of BRCA1-related conditions (PMID: 9254884). This variant is also known as 2325delG. ClinVar contains an entry for this variant (Variation ID: 54498). For these reasons, this variant has been classified as Pathogenic.

PreventionGenetics, part of Exact Sciences
Classification: Pathogenic for BRCA1-related condition. Last evaluated: 2022-08-26. Review status: criteria provided, single submitter. Criteria: ACMG Guidelines, 2015. Collection method: clinical testing. Allele origin: germline. Not counted in ClinVar's aggregate classification.
Comment: The BRCA1 c.2206delG variant is predicted to result in a frameshift and premature protein termination (p.Glu736Lysfs*17). This variant has been reported in at least one individual with BRCA1-related conditions (Described as 2325delG, Lancaster et al. 1997. PubMed ID: 9254884). This variant has not been reported in a large population database, indicating this variant is rare. Frameshift variants in BRCA1 are expected to be pathogenic. This variant is interpreted as pathogenic.

Sharing Clinical Reports Project (SCRP)
Classification: Pathogenic for Breast-ovarian cancer, familial 1. Last evaluated: 2012-05-01. Review status: no assertion criteria provided. Collection method: clinical testing. Allele origin: germline. Not counted in ClinVar's aggregate classification.

Breast Cancer Information Core (BIC) (BRCA1)
Classification: Pathogenic for Breast-ovarian cancer, familial 1. Last evaluated: 2004-02-20. Review status: no assertion criteria provided. Collection method: clinical testing. Allele origin: germline. Affected: yes. Observed: 2 variant alleles. Not counted in ClinVar's aggregate classification.

Literature cited by the submitters: PubMed 20104584 (cited by Labcorp Genetics (formerly Invitae), Labcorp); PubMed 9254884 (cited by Labcorp Genetics (formerly Invitae), Labcorp).

NM_007294.4(BRCA1):c.2206del (p.Glu736fs)

Gene: BRCA1 (BRCA1 DNA repair associated; minus strand). Cytogenetic location: 17q21.31.
Variant type: Deletion.
Coding change: c.2206del on transcript NM_007294.4 (MANE Select); coding-DNA position 2206, one base deleted (G; older notation c.2206delG).
Protein change: p.Glu736fs; shifts the reading frame from glutamic acid 736.
Molecular consequence: frameshift variant. On other transcripts: intron variant (137).
Genome position (GRCh38, 1-based): chr17:43,093,325, C deleted on the plus strand (G on the coding strand, the reverse complement: BRCA1 is on the minus strand). VCF-style (leftmost placement, unchanged base first): chr17-43093324-TC-T. GRCh37 (hg19) VCF-style: chr17-41245341-TC-T.
Other names: 2325delG; c.2206del, p.Glu736fs (NM_001407596.1, NM_001407597.1, NM_001407598.1 and 30 more transcripts); c.2203del, p.Glu735fs (NM_001407610.1, NM_001407611.1, NM_001407612.1 and 22 more transcripts); c.2197del, p.Glu733fs (NM_001407646.1, NM_001407647.1); c.2083del, p.Glu695fs (NM_001407648.1, NM_001407664.1, NM_001407665.1 and 19 more transcripts); c.2080del, p.Glu694fs (NM_001407649.1, NM_001407670.1, NM_001407671.1 and 11 more transcripts); c.2128del, p.Glu710fs (NM_001407653.1, NM_001407654.1, NM_001407655.1 and 4 more transcripts); c.2125del, p.Glu709fs (NM_001407659.1, NM_001407660.1, NM_001407661.1 and 1 more transcripts); and 42 more; short protein forms E689fs, E736fs, E440fs, E624fs, E625fs, E648fs, E666fs, E695fs.
Identifiers: ClinVar variation 54498 (VCV000054498.11), dbSNP rs80357860, ClinGen allele CA001474.
Genomic context (GRCh38, chr17:43,093,324, plus strand): 5'-CTTTCTCCACTTAACATGAGATCTTTGGGGTCTTCAGCATTATTAGACACTTTAACTGTT[TC>T]TAGTTTCTCTTCTTTTTCTTCTCTTGGAAGGCTAGGATTGACAAATTCTTTAAGTTCACT-3'